The following is an entry in ClinVar:

NM_001161352.2(KCNMA1):c.*1100C>T

Gene: KCNMA1 (potassium calcium-activated channel subfamily M alpha 1; minus strand). Cytogenetic location: 10q22.3.
Variant type: single nucleotide variant.
Coding change: c.*1100C>T on transcript NM_001161352.2 (MANE Select); 1100 bases downstream of the stop codon, C replaced by T.
Molecular consequence: 3 prime UTR variant. On other transcripts: intron variant (7).
Genome position (GRCh38, 1-based): chr10:76,886,166, G>A on the plus strand (C>T on the coding strand, the complement: KCNMA1 is on the minus strand). VCF-style: chr10-76886166-G-A. GRCh37 (hg19) VCF-style: chr10-78645924-G-A.
Other names: c.*1100C>T (NM_001161353.2, NM_001271519.2, NM_001322836.2 and 2 more transcripts); c.3362+1125C>T (NM_001271518.2); c.3512+1125C>T (NM_001322832.2); c.3521+1125C>T (NM_001322829.2); c.3524+1125C>T (NM_001014797.3); c.3605+1125C>T (NM_001322835.2); c.3614+1125C>T (NM_001322830.2); c.3059+1125C>T (NM_001322838.2).
Identifiers: ClinVar variation 300939 (VCV000300939.5), dbSNP rs199706896, ClinGen allele CA10629115.

ClinVar aggregate classification (germline): Likely benign (1 of 4 stars; one submission).

Conditions:
Generalized epilepsy-paroxysmal dyskinesia syndrome (PNKD3). Also called: Paroxysmal nonkinesigenic dyskinesia, 3, with or without generalized epilepsy; Generalized epilepsy and paroxysmal dyskinesia. Identifiers: Orphanet 79137, MedGen C5574945, MONDO:0012276, OMIM 609446.

Allele frequency attached by ClinVar (database versions not stated): gnomAD exomes 0.00005; TOPMed 0.00020; gnomAD 0.00024 and 0.00036; 1000 Genomes Project 0.00240; 1000 Genomes Project 30x 0.00250.
gnomAD v4.1: 119 of 985,356 alleles (0.012%); highest among the groups gnomAD compares: East Asian, 0.91%; no homozygotes.

Submission:

Illumina Laboratory Services, Illumina
Classification: Likely benign for Generalized epilepsy-paroxysmal dyskinesia syndrome. Last evaluated: 2018-01-12. Review status: criteria provided, single submitter. Criteria: ICSL Variant Classification Criteria 13 December 2019. Collection method: clinical testing. Allele origin: germline.
Comment: This variant was observed in the ICSL laboratory as part of a predisposition screen in an ostensibly healthy population. It had not been previously curated by ICSL or reported in the Human Gene Mutation Database (HGMD: prior to June 1st, 2018), and was therefore a candidate for classification through an automated scoring system. Utilizing variant allele frequency, disease prevalence and penetrance estimates, and inheritance mode, an automated score was calculated to assess if this variant is too frequent to cause the disease. Based on the score and internal cut-off values, a variant classified as likely benign is not then subjected to further curation. The score for this variant resulted in a classification of likely benign for this disease.